The following is an entry in ClinVar:

NM_004827.3(ABCG2):c.1277+2227G>A

Gene: ABCG2 (ATP binding cassette subfamily G member 2 (JR blood group); minus strand). Cytogenetic location: 4q22.1.
Variant type: single nucleotide variant.
Coding change: c.1277+2227G>A on transcript NM_004827.3 (MANE Select); 2227 bases into the intron after coding-DNA position 1277, G replaced by A.
Molecular consequence: intron variant.
Genome position (GRCh38, 1-based): chr4:88,104,957, C>T on the plus strand (G>A on the coding strand, the complement: ABCG2 is on the minus strand). VCF-style: chr4-88104957-C-T. GRCh37 (hg19) VCF-style: chr4-89026109-C-T.
Other names: c.1277+2227G>A (NM_001257386.2, NM_001348985.1, NM_001348988.1 and 2 more transcripts); c.1271+2227G>A (NM_001348987.1); c.1067+2227G>A (NM_001441211.1, NM_001441212.1); c.1061+2227G>A (NM_001441213.1); c.1124+2227G>A (NM_001441210.1); c.1175+2227G>A (NM_001441209.1); c.1244+2227G>A (NM_001441208.1).
Identifiers: ClinVar variation 1239257 (VCV001239257.3), dbSNP rs2725264, ClinGen allele CA15338396.
Genomic context (GRCh38, chr4:88,104,957, plus strand): 5'-ATGGCCAGATTTCCAGTCCTCTTCAAAGTTCCAGTTGAGGACCAGGTTACTCCATGTCCT[C>T]TCCAAATGCTTCCTGCTGCACAATATAAAAGGCCCACTGCCTTTAGATCCTGTGATATAT-3'

ClinVar aggregate classification (germline): Benign (1 of 4 stars; one submission).

Allele frequency attached by ClinVar (database versions not stated): gnomAD 0.71127 and 0.70117; 1000 Genomes Project 0.63498; 1000 Genomes Project 30x 0.62367; TOPMed 0.67670.
gnomAD v4.1: 108,359 of 152,120 alleles (71%); highest among the groups gnomAD compares: Non-Finnish European, 93%; 45,173 homozygotes.

Submission:

GeneDx
Classification: Benign. Last evaluated: 2019-01-09. Review status: criteria provided, single submitter. Criteria: GeneDx Variant Classification Process June 2021. Collection method: clinical testing. Allele origin: germline. Affected: yes.
Comment: This variant is associated with the following publications: (PMID: 28930109)